The following is an entry in ClinVar:

ClinVar aggregate classification (germline): Uncertain significance (1 of 4 stars; one submission).

gnomAD v4.1: 2 of 1,597,436 alleles (0.00013%); no homozygotes.

Submission:

GeneDx
Classification: Uncertain significance. Last evaluated: 2023-11-29. Review status: criteria provided, single submitter. Criteria: GeneDx Variant Classification Process June 2021. Collection method: clinical testing. Allele origin: germline. Affected: yes.
Comment: Not observed at significant frequency in large population cohorts (gnomAD); In silico analysis supports that this missense variant has a deleterious effect on protein structure/function; Has not been previously published as pathogenic or benign to our knowledge; In silico analysis suggests this variant may impact gene splicing. In the absence of RNA/functional studies, the actual effect of this sequence change is unknown.

NM_015057.5(MYCBP2):c.656C>T (p.Pro219Leu)

Gene: MYCBP2 (MYC binding protein 2; minus strand). Cytogenetic location: 13q22.3.
Variant type: single nucleotide variant.
Coding change: c.656C>T on transcript NM_015057.5 (MANE Select); coding-DNA position 656, C replaced by T.
Protein change: p.Pro219Leu; replaces proline 219 with leucine.
Molecular consequence: missense variant.
Genome position (GRCh38, 1-based): chr13:77,278,850, G>A on the plus strand (C>T on the coding strand, the complement: MYCBP2 is on the minus strand). VCF-style: chr13-77278850-G-A. GRCh37 (hg19) VCF-style: chr13-77852985-G-A.
Other names: short protein forms P219L.
Identifiers: ClinVar variation 3364879 (VCV003364879.1).